The following is an entry in ClinVar:

NM_001083.4(PDE5A):c.1425G>A (p.Glu475=)

Gene: PDE5A (phosphodiesterase 5A; minus strand). Cytogenetic location: 4q26.
Variant type: single nucleotide variant.
Coding change: c.1425G>A on transcript NM_001083.4 (MANE Select); coding-DNA position 1425, G replaced by A.
Protein change: p.Glu475=; no amino-acid change (glutamic acid 475 retained).
Molecular consequence: synonymous variant.
Genome position (GRCh38, 1-based): chr4:119,542,606, C>T on the plus strand (G>A on the coding strand, the complement: PDE5A is on the minus strand). VCF-style: chr4-119542606-C-T. GRCh37 (hg19) VCF-style: chr4-120463761-C-T.
Other names: c.1299G>A, p.Glu433= (NM_033430.3); c.1269G>A, p.Glu423= (NM_033437.4).
Identifiers: ClinVar variation 779420 (VCV000779420.26), dbSNP rs148360694, ClinGen allele CA3060284.
Genomic context (GRCh38, chr4:119,542,606, plus strand): 5'-AAAAGCTTCCAGAAACTGTTCGTCATTTCGGTTGAAAGGCTTAACCTTGCCAGTATTCTC[C>T]TCCATCTTATTAACAAGTTGGCAAACCCCTATAACAATCCGAGAAATTGAGCAAATGTTA-3'
Protein context (NP_001074.2, residues 465-485): IGVCQLVNKM[Glu475=]ENTGKVKPFN

ClinVar aggregate classification (germline): Benign/Likely benign. Review status: criteria provided, multiple submitters, no conflicts (2 of 4 stars). 3 submissions from 3 submitters: Benign (2); Likely benign (1). Last evaluated 2024-02-01.

Allele frequency attached by ClinVar (database versions not stated): 1000 Genomes Project 0.00040; 1000 Genomes Project 30x 0.00047; ExAC 0.00198; gnomAD 0.00214 and 0.00220; TOPMed 0.00221; gnomAD exomes 0.00222 and 0.00363; ESP Exome Variant Server 0.00346.
gnomAD v4.1: 5,711 of 1,613,854 alleles (0.35%); highest among the groups gnomAD compares: Non-Finnish European, 0.41%; 21 homozygotes.

Submissions (3):

CeGaT Center for Human Genetics Tuebingen
Classification: Likely benign. Last evaluated: 2024-02-01. Review status: criteria provided, single submitter. Criteria: CeGaT Center For Human Genetics Tuebingen Variant Classification Criteria Version 2. Collection method: clinical testing. Allele origin: germline. Affected: yes. Observed: 1 variant allele.
Comment: PDE5A: BP4, BP7, BS2

Labcorp Genetics (formerly Invitae), Labcorp
Classification: Benign. Last evaluated: 2018-06-16. Review status: criteria provided, single submitter. Criteria: Invitae Variant Classification Sherloc (09022015). Collection method: clinical testing. Allele origin: germline.

Breakthrough Genomics
Classification: Benign. Review status: criteria provided, single submitter. Criteria: ACMG Guidelines, 2015. Collection method: not provided. Allele origin: germline. Inheritance: Unknown mechanism. Affected: yes.